The following is an entry in ClinVar:

NM_001277115.2(DNAH11):c.13429G>T (p.Glu4477Ter)

Genes: CDCA7L (cell division cycle associated 7 like; minus strand), DNAH11 (dynein axonemal heavy chain 11; plus strand). Cytogenetic location: 7p15.3.
Variant type: single nucleotide variant.
Coding change: c.13429G>T on transcript NM_001277115.2 (MANE Select); coding-DNA position 13429, G replaced by T.
Protein change: p.Glu4477Ter; replaces glutamic acid 4477 with a stop codon.
Molecular consequence: nonsense. On other transcripts: 3 prime UTR variant (3).
Genome position (GRCh38, 1-based): chr7:21,901,132, G>T. VCF-style: chr7-21901132-G-T. GRCh37 (hg19) VCF-style: chr7-21940750-G-T.
Other names: c.*1190C>A (NM_001127370.3, NM_001127371.3, NM_018719.5); short protein forms E4477*.
Identifiers: ClinVar variation 525306 (VCV000525306.9), dbSNP rs551275210, ClinGen allele CA366957050.

ClinVar aggregate classification (germline): Pathogenic (1 of 4 stars; one submission).

Conditions:
Primary ciliary dyskinesia. Also called: Ciliary dyskinesia. Identifiers: Orphanet 244, MedGen C0008780, MONDO:0016575, HP:0012265.

gnomAD v4.1: 3 of 1,613,236 alleles (0.00019%); highest among the groups gnomAD compares: Non-Finnish European, 0.00025%; no homozygotes.

Submission:

Labcorp Genetics (formerly Invitae), Labcorp
Classification: Pathogenic for Primary ciliary dyskinesia. Last evaluated: 2023-06-04. Review status: criteria provided, single submitter. Criteria: Invitae Variant Classification Sherloc (09022015). Collection method: clinical testing. Allele origin: germline.
Comment: This variant is not present in population databases (gnomAD no frequency). For these reasons, this variant has been classified as Pathogenic. This variant disrupts a region of the DNAH11 protein in which other variant(s) (p.Tyr4476Aspfs*8) have been determined to be pathogenic (Invitae). This suggests that this is a clinically significant region of the protein, and that variants that disrupt it are likely to be disease-causing. ClinVar contains an entry for this variant (Variation ID: 525306). This variant has not been reported in the literature in individuals affected with DNAH11-related conditions. This sequence change creates a premature translational stop signal (p.Glu4477*) in the DNAH11 gene. While this is not anticipated to result in nonsense mediated decay, it is expected to disrupt the last 40 amino acid(s) of the DNAH11 protein.